The following is an entry in ClinVar:

NM_000051.4(ATM):c.3090G>A (p.Lys1030=)

Gene: ATM (ATM serine/threonine kinase; plus strand). Cytogenetic location: 11q22.3.
Variant type: single nucleotide variant.
Coding change: c.3090G>A on transcript NM_000051.4 (MANE Select); coding-DNA position 3090, G replaced by A.
Protein change: p.Lys1030=; no amino-acid change (lysine 1030 retained).
Molecular consequence: synonymous variant.
Genome position (GRCh38, 1-based): chr11:108,272,544, G>A. VCF-style: chr11-108272544-G-A. GRCh37 (hg19) VCF-style: chr11-108143271-G-A.
Other names: c.3090G>A, p.Lys1030= (NM_001351834.2).
Identifiers: ClinVar variation 822849 (VCV000822849.16), dbSNP rs1591608292, ClinGen allele CA476744748.

ClinVar aggregate classification (germline): Benign/Likely benign. Review status: criteria provided, multiple submitters, no conflicts (2 of 4 stars). 4 submissions from 4 submitters: Benign (1); Likely benign (3). Last evaluated 2025-05-13.

Conditions:
Ataxia-telangiectasia syndrome (AT). Also called: Cerebello-oculocutaneous telangiectasia; Immunodeficiency with ataxia telangiectasia; Ataxia-telangiectasia, complementation group E; Ataxia-telangiectasia, complementation group D; AT, COMPLEMENTATION GROUP C; ATAXIA-TELANGIECTASIA, COMPLEMENTATION GROUP A. Identifiers: Orphanet 100, MedGen C0004135, MONDO:0008840, OMIM 208900.
Hereditary cancer-predisposing syndrome. Also called: Hereditary Cancer Syndrome; Neoplastic Syndromes, Hereditary; Hereditary neoplastic syndrome; Tumor predisposition. Identifiers: Orphanet 140162, MedGen C0027672, MeSH D009386, MONDO:0015356.
Familial cancer of breast. Also called: Hereditary breast cancer; hereditary breast carcinoma; BREAST CANCER, FAMILIAL. Identifiers: Orphanet 227535, MedGen C0346153, MONDO:0016419, OMIM 114480. Disease mechanism: loss of function.

Allele frequency attached by ClinVar (database versions not stated): gnomAD exomes below 0.00001.

Submissions (4):

Labcorp Genetics (formerly Invitae), Labcorp
Classification: Likely benign for Ataxia-telangiectasia syndrome. Last evaluated: 2025-05-13. Review status: criteria provided, single submitter. Criteria: Invitae Variant Classification Sherloc (09022015). Collection method: clinical testing. Allele origin: germline.

Myriad Genetics, Inc.
Classification: Benign for Familial cancer of breast. Last evaluated: 2024-05-13. Review status: criteria provided, single submitter. Criteria: Myriad Autosomal Dominant, Autosomal Recessive and X-Linked Classification Criteria (2023). Collection method: clinical testing. Allele origin: unknown.
Comment: This variant is considered benign. This variant is a silent/synonymous amino acid change and it is not expected to impact splicing.

Ambry Genetics
Classification: Likely benign for Hereditary cancer-predisposing syndrome. Last evaluated: 2018-12-26. Review status: criteria provided, single submitter. Criteria: Ambry Variant Classification Scheme 2023. Collection method: clinical testing. Allele origin: germline.

Color Diagnostics, LLC DBA Color Health
Classification: Likely benign for Hereditary cancer-predisposing syndrome. Last evaluated: 2018-11-06. Review status: criteria provided, single submitter. Criteria: ACMG Guidelines, 2015. Collection method: clinical testing. Allele origin: germline.